The following is an entry in ClinVar:

ClinVar aggregate classification (germline): Uncertain significance (1 of 4 stars; one submission).

Allele frequency attached by ClinVar (database versions not stated): TOPMed 0.00002; gnomAD 0.00004 and 0.00006; gnomAD exomes 0.00006; ExAC 0.00009.

Submission:

Labcorp Genetics (formerly Invitae), Labcorp
Classification: Uncertain significance. Last evaluated: 2022-08-09. Review status: criteria provided, single submitter. Criteria: Invitae Variant Classification Sherloc (09022015). Collection method: clinical testing. Allele origin: germline.
Comment: In summary, the available evidence is currently insufficient to determine the role of this variant in disease. Therefore, it has been classified as a Variant of Uncertain Significance. Algorithms developed to predict the effect of missense changes on protein structure and function (SIFT, PolyPhen-2, Align-GVGD) all suggest that this variant is likely to be disruptive. ClinVar contains an entry for this variant (Variation ID: 1399403). This variant has not been reported in the literature in individuals affected with OPN1SW-related conditions. This variant is present in population databases (rs776523473, gnomAD 0.04%), and has an allele count higher than expected for a pathogenic variant. This sequence change replaces methionine, which is neutral and non-polar, with threonine, which is neutral and polar, at codon 272 of the OPN1SW protein (p.Met272Thr).

NM_001385125.1(OPN1SW):c.806T>C (p.Met269Thr)

Gene: OPN1SW (opsin 1, short wave sensitive; minus strand). Cytogenetic location: 7q32.1.
Variant type: single nucleotide variant.
Coding change: c.806T>C on transcript NM_001385125.1 (MANE Select); coding-DNA position 806, T replaced by C.
Protein change: p.Met269Thr; replaces methionine 269 with threonine.
Molecular consequence: missense variant.
Genome position (GRCh38, 1-based): chr7:128,773,761, A>G on the plus strand (T>C on the coding strand, the complement: OPN1SW is on the minus strand). VCF-style: chr7-128773761-A-G. GRCh37 (hg19) VCF-style: chr7-128413815-A-G.
Other names: short protein forms M269T.
Identifiers: ClinVar variation 1399403 (VCV001399403.6), dbSNP rs776523473, ClinGen allele CA4472830.